The following is an entry in ClinVar:

NM_001723.7(DST):c.3405A>T (p.Lys1135Asn)

Gene: DST (dystonin; minus strand). Cytogenetic location: 6p12.1.
Variant type: single nucleotide variant.
Coding change: c.3405A>T on transcript NM_001723.7 (MANE Plus Clinical); coding-DNA position 3405, A replaced by T.
Protein change: p.Lys1135Asn; replaces lysine 1135 with asparagine.
Molecular consequence: missense variant. On other transcripts: intron variant (10).
Genome position (GRCh38, 1-based): chr6:56,620,629, T>A on the plus strand (A>T on the coding strand, the complement: DST is on the minus strand). VCF-style: chr6-56620629-T-A. GRCh37 (hg19) VCF-style: chr6-56485427-T-A.
Other names: c.4830+3901A>T (NM_001144769.5); c.4929+3901A>T (NM_001374722.1, NM_001374736.1); c.4956+3901A>T (NM_001374734.1); c.4416+3901A>T (NM_001144770.2); c.4296+3901A>T (NM_001374730.1, NM_001386100.1, NM_183380.4 and 1 more transcripts); c.3318+3901A>T (NM_015548.5); short protein forms K1135N.
Identifiers: ClinVar variation 2061145 (VCV002061145.3), dbSNP rs2098681793, ClinGen allele CA364571983.

ClinVar aggregate classification (germline): Uncertain significance (1 of 4 stars; one submission).

Conditions:
Epidermolysis bullosa simplex 3, localized or generalized intermediate, with BP230 deficiency (EBS3). Also called: Epidermolysis bullosa simplex due to BP230 deficiency; Epidermolysis bullosa simplex, autosomal recessive 2. Identifiers: Orphanet 412181, MedGen C3809470, MONDO:0014180, OMIM 615425.
Hereditary sensory and autonomic neuropathy type 6. Also called: Neuropathy, hereditary sensory and autonomic, type VI; HSAN VI. Identifiers: Orphanet 314381, MedGen C3539003, MONDO:0013839, OMIM 614653.

Submission:

Labcorp Genetics (formerly Invitae), Labcorp
Classification: Uncertain significance for Epidermolysis bullosa simplex 3, localized or generalized intermediate, with BP230 deficiency; Hereditary sensory and autonomic neuropathy type 6. Last evaluated: 2022-05-18. Review status: criteria provided, single submitter. Criteria: Invitae Variant Classification Sherloc (09022015). Collection method: clinical testing. Allele origin: germline.
Comment: In summary, the available evidence is currently insufficient to determine the role of this variant in disease. Therefore, it has been classified as a Variant of Uncertain Significance. Algorithms developed to predict the effect of missense changes on protein structure and function are either unavailable or do not agree on the potential impact of this missense change (SIFT: "Tolerated"; PolyPhen-2: "Possibly Damaging"; Align-GVGD: "Class C0"). This variant has not been reported in the literature in individuals affected with DST-related conditions. This variant is not present in population databases (gnomAD no frequency). This sequence change replaces lysine, which is basic and polar, with asparagine, which is neutral and polar, at codon 1135 of the DST protein (p.Lys1135Asn).